The following is an entry in ClinVar:

NM_000179.3(MSH6):c.2603del (p.Met868fs)

Gene: MSH6 (mutS homolog 6; plus strand). Cytogenetic location: 2p16.3.
Variant type: Deletion.
Coding change: c.2603del on transcript NM_000179.3 (MANE Select); coding-DNA position 2603, one base deleted (T; older notation c.2603delT).
Protein change: p.Met868fs; shifts the reading frame from methionine 868.
Molecular consequence: frameshift variant.
Genome position (GRCh38, 1-based): chr2:47,800,586, T deleted. VCF-style (leftmost placement, unchanged base first): chr2-47800585-AT-A. GRCh37 (hg19) VCF-style: chr2-48027724-AT-A.
Other names: c.2603delT (NM_000179.2); c.2213del, p.Met738fs (NM_001281492.2); c.1697del, p.Met566fs (NM_001281493.2, NM_001281494.2); short protein forms M566fs, M868fs, M738fs.
Identifiers: ClinVar variation 858554 (VCV000858554.10), dbSNP rs1669486855, ClinGen allele CA916079970.
Genomic context (GRCh38, chr2:47,800,585, plus strand): 5'-ACTACATACAGCAAGAAGAAGATTATTGATTTTCTTTCTGCTCTGGAAGGATTCAAAGTA[AT>A]GTGTAAAATTATAGGGATCATGGAAGAAGTTGCTGATGGTTTTAAGTCTAAAATCCTTAA-3'

ClinVar aggregate classification (germline): Pathogenic. Review status: criteria provided, multiple submitters, no conflicts (2 of 4 stars). 2 submissions from 2 submitters: Pathogenic (2). Last evaluated 2022-12-22.

Conditions:
Hereditary nonpolyposis colorectal neoplasms. Identifiers: MedGen C0009405, MeSH D003123.
Hereditary cancer-predisposing syndrome. Also called: Tumor predisposition; Hereditary neoplastic syndrome; Neoplastic Syndromes, Hereditary; Hereditary Cancer Syndrome. Identifiers: Orphanet 140162, MedGen C0027672, MeSH D009386, MONDO:0015356.

Submissions (2):

Ambry Genetics
Classification: Pathogenic for Hereditary cancer-predisposing syndrome. Last evaluated: 2022-12-22. Review status: criteria provided, single submitter. Criteria: Ambry Variant Classification Scheme 2023. Collection method: clinical testing. Allele origin: germline.
Comment: The c.2603delT pathogenic mutation, located in coding exon 4 of the MSH6 gene, results from a deletion of one nucleotide at nucleotide position 2603, causing a translational frameshift with a predicted alternate stop codon (p.M868Sfs*5). This variant is considered to be rare based on population cohorts in the Genome Aggregation Database (gnomAD). This alteration is expected to result in loss of function by premature protein truncation or nonsense-mediated mRNA decay. As such, this alteration is interpreted as a disease-causing mutation.

Labcorp Genetics (formerly Invitae), Labcorp
Classification: Pathogenic for Hereditary nonpolyposis colorectal neoplasms. Last evaluated: 2019-02-19. Review status: criteria provided, single submitter. Criteria: Invitae Variant Classification Sherloc (09022015). Collection method: clinical testing. Allele origin: germline.
Comment: Loss-of-function variants in MSH6 are known to be pathogenic (PMID: 18269114, 24362816). This variant has not been reported in the literature in individuals with MSH6-related conditions. This variant is not present in population databases (ExAC no frequency). This sequence change creates a premature translational stop signal (p.Met868Serfs*5) in the MSH6 gene. It is expected to result in an absent or disrupted protein product. For these reasons, this variant has been classified as Pathogenic.

Literature cited by the submitters: PubMed 18269114 (cited by Labcorp Genetics (formerly Invitae), Labcorp); PubMed 24362816 (cited by Labcorp Genetics (formerly Invitae), Labcorp).